The following is an entry in ClinVar:

NM_012469.4(PRPF6):c.1574T>C (p.Val525Ala)

Genes: PRPF6 (pre-mRNA processing factor 6; plus strand), LOC126863090 (P300/CBP strongly-dependent group 1 enhancer GRCh37_chr20:62648052-62649251; plus strand). Cytogenetic location: 20q13.33.
Variant type: single nucleotide variant.
Coding change: c.1574T>C on transcript NM_012469.4 (MANE Select); coding-DNA position 1574, T replaced by C.
Protein change: p.Val525Ala; replaces valine 525 with alanine.
Molecular consequence: missense variant.
Genome position (GRCh38, 1-based): chr20:64,016,772, T>C. VCF-style: chr20-64016772-T-C. GRCh37 (hg19) VCF-style: chr20-62648125-T-C.
Other names: short protein forms V525A.
Identifiers: ClinVar variation 3616605 (VCV003616605.2).
Genomic context (GRCh38, chr20:64,016,772, plus strand): 5'-TCCTCTTTCAGGATGCCGAGGAATGTGACAGGGCTGGGAGTGTGGCCACCTGCCAGGCCG[T>C]CATGCGTGCCGTGATTGGGATTGGGATTGAGGAGGAAGATCGGAAGCATACCTGGATGGA-3'
Protein context (NP_036601.2, residues 515-535): RAGSVATCQA[Val525Ala]MRAVIGIGIE

ClinVar aggregate classification (germline): Uncertain significance (1 of 4 stars; one submission).

gnomAD v4.1: 2 of 1,613,994 alleles (0.00012%); highest among the groups gnomAD compares: African/African-American, 0.0027%; no homozygotes.

Submission:

Labcorp Genetics (formerly Invitae), Labcorp
Classification: Uncertain significance. Last evaluated: 2024-06-08. Review status: criteria provided, single submitter. Criteria: Invitae Variant Classification Sherloc (09022015). Collection method: clinical testing. Allele origin: germline.
Comment: This sequence change replaces valine, which is neutral and non-polar, with alanine, which is neutral and non-polar, at codon 525 of the PRPF6 protein (p.Val525Ala). This variant is present in population databases (rs756558140, gnomAD 0.01%). This variant has not been reported in the literature in individuals affected with PRPF6-related conditions. Advanced modeling of protein sequence and biophysical properties (such as structural, functional, and spatial information, amino acid conservation, physicochemical variation, residue mobility, and thermodynamic stability) performed at Invitae indicates that this missense variant is not expected to disrupt PRPF6 protein function with a negative predictive value of 80%. In summary, the available evidence is currently insufficient to determine the role of this variant in disease. Therefore, it has been classified as a Variant of Uncertain Significance.